The following is an entry in ClinVar:

ClinVar aggregate classification (germline): Uncertain significance (1 of 4 stars; one submission).

gnomAD v4.1: 1 of 1,605,514 alleles (0.000062%); no homozygotes.

Submission:

Labcorp Genetics (formerly Invitae), Labcorp
Classification: Uncertain significance. Last evaluated: 2022-08-25. Review status: criteria provided, single submitter. Criteria: Invitae Variant Classification Sherloc (09022015). Collection method: clinical testing. Allele origin: germline.
Comment: This sequence change falls in intron 4 of the NTHL1 gene. It does not directly change the encoded amino acid sequence of the NTHL1 protein. It affects a nucleotide within the consensus splice site. This variant is not present in population databases (gnomAD no frequency). This variant has not been reported in the literature in individuals affected with NTHL1-related conditions. ClinVar contains an entry for this variant (Variation ID: 1402958). Variants that disrupt the consensus splice site are a relatively common cause of aberrant splicing (PMID: 17576681, 9536098). Algorithms developed to predict the effect of sequence changes on RNA splicing suggest that this variant is not likely to affect RNA splicing. In summary, the available evidence is currently insufficient to determine the role of this variant in disease. Therefore, it has been classified as a Variant of Uncertain Significance.

Literature cited by the submitters: PubMed 17576681; PubMed 9536098.

NM_002528.7(NTHL1):c.685+6T>C

Gene: NTHL1 (nth like DNA glycosylase 1; minus strand). Cytogenetic location: 16p13.3.
Variant type: single nucleotide variant.
Coding change: c.685+6T>C on transcript NM_002528.7 (MANE Select); 6 bases into the intron after coding-DNA position 685, T replaced by C.
Molecular consequence: intron variant.
Genome position (GRCh38, 1-based): chr16:2,043,561, A>G on the plus strand (T>C on the coding strand, the complement: NTHL1 is on the minus strand). VCF-style: chr16-2043561-A-G. GRCh37 (hg19) VCF-style: chr16-2093562-A-G.
Other names: c.355+6T>C (NM_001318194.2); c.514+6T>C (NM_001318193.2).
Identifiers: ClinVar variation 1402958 (VCV001402958.6), dbSNP rs2150941122, ClinGen allele CA2573151784.